The following is an entry in ClinVar:

ClinVar aggregate classification (germline): Uncertain significance. Review status: criteria provided, multiple submitters, no conflicts (2 of 4 stars). 2 submissions from 2 submitters: Uncertain significance (2). Last evaluated 2022-03-23.

Conditions:
Bethlem myopathy 1A. Also called: MYOPATHY, BENIGN CONGENITAL, WITH CONTRACTURES; Bethlem myopathy 1; Bethlem Muscular Dystrophy. Identifiers: Orphanet 610, MedGen CN029274, MONDO:0024530, OMIM 158810.

Allele frequency attached by ClinVar (database versions not stated): gnomAD exomes below 0.00001.
gnomAD v4.1: 1 of 1,610,672 alleles (0.000062%); highest among the groups gnomAD compares: Non-Finnish European, 0.000085%; no homozygotes.

Submissions (2):

Labcorp Genetics (formerly Invitae), Labcorp
Classification: Uncertain significance for Bethlem myopathy 1A. Last evaluated: 2022-03-23. Review status: criteria provided, single submitter. Criteria: Invitae Variant Classification Sherloc (09022015). Collection method: clinical testing. Allele origin: germline.
Comment: Advanced modeling of protein sequence and biophysical properties (such as structural, functional, and spatial information, amino acid conservation, physicochemical variation, residue mobility, and thermodynamic stability) performed at Invitae indicates that this missense variant is not expected to disrupt COL6A2 protein function. In summary, the available evidence is currently insufficient to determine the role of this variant in disease. Therefore, it has been classified as a Variant of Uncertain Significance. This variant has not been reported in the literature in individuals affected with COL6A2-related conditions. This sequence change replaces proline, which is neutral and non-polar, with serine, which is neutral and polar, at codon 780 of the COL6A2 protein (p.Pro780Ser). This variant is not present in population databases (gnomAD no frequency).

Revvity Omics, Revvity
Classification: Uncertain significance. Last evaluated: 2021-09-16. Review status: criteria provided, single submitter. Criteria: ACMG Guidelines, 2015. Collection method: clinical testing. Allele origin: germline.

NM_001849.4(COL6A2):c.2338C>T (p.Pro780Ser)

Gene: COL6A2 (collagen type VI alpha 2 chain; plus strand). Cytogenetic location: 21q22.3.
Variant type: single nucleotide variant.
Coding change: c.2338C>T on transcript NM_001849.4 (MANE Select); coding-DNA position 2338, C replaced by T.
Protein change: p.Pro780Ser; replaces proline 780 with serine.
Molecular consequence: missense variant.
Genome position (GRCh38, 1-based): chr21:46,126,153, C>T. VCF-style: chr21-46126153-C-T. GRCh37 (hg19) VCF-style: chr21-47546067-C-T.
Other names: c.2338C>T, p.Pro780Ser (NM_058174.3, NM_058175.3); short protein forms P780S.
Identifiers: ClinVar variation 1969853 (VCV001969853.8), dbSNP rs2517018616, ClinGen allele CA410542619.
Genomic context (GRCh38, chr21:46,126,153, plus strand): 5'-GGGGACATGTTCCACGAGAAGCACGAGAGTGAAAACCTCTACTCCATCGCCTGCGACAAG[C>T]CACAGCAGGTGCGCAACATGACGCTGTTCTCCGACCTGGTCGCTGAGAAGTTCATCGATG-3'
Protein context (NP_001840.3, residues 770-790): ENLYSIACDK[Pro780Ser]QQVRNMTLFS